The following is an entry in ClinVar:

NM_005228.5(EGFR):c.1819G>T (p.Val607Phe)

Gene: EGFR (epidermal growth factor receptor; plus strand). Cytogenetic location: 7p11.2.
Variant type: single nucleotide variant.
Coding change: c.1819G>T on transcript NM_005228.5 (MANE Select); coding-DNA position 1819, G replaced by T.
Protein change: p.Val607Phe; replaces valine 607 with phenylalanine.
Molecular consequence: missense variant.
Genome position (GRCh38, 1-based): chr7:55,165,376, G>T. VCF-style: chr7-55165376-G-T. GRCh37 (hg19) VCF-style: chr7-55233069-G-T.
Other names: c.1684G>T, p.Val562Phe (NM_001346897.2, NM_001346899.2); c.1819G>T, p.Val607Phe (NM_001346898.2, NM_201282.2, NM_201284.2); c.1660G>T, p.Val554Phe (NM_001346900.2); c.1018G>T, p.Val340Phe (NM_001346941.2); short protein forms V340F, V554F, V607F, V562F.
Identifiers: ClinVar variation 3843768 (VCV003843768.1).
Genomic context (GRCh38, chr7:55,165,376, plus strand): 5'-GACGGCCCCCACTGCGTCAAGACCTGCCCGGCAGGAGTCATGGGAGAAAACAACACCCTG[G>T]TCTGGAAGTACGCAGACGCCGGCCATGTGTGCCACCTGTGCCATCCAAACTGCACCTACG-3'
Protein context (NP_005219.2, residues 597-617): AGVMGENNTL[Val607Phe]WKYADAGHVC

ClinVar aggregate classification (germline): Uncertain significance (1 of 4 stars; one submission).

Conditions:
Hereditary cancer-predisposing syndrome. Also called: Hereditary neoplastic syndrome; Neoplastic Syndromes, Hereditary; Tumor predisposition; Hereditary Cancer Syndrome. Identifiers: Orphanet 140162, MedGen C0027672, MeSH D009386, MONDO:0015356.

Submission:

Ambry Genetics
Classification: Uncertain significance for Hereditary cancer-predisposing syndrome. Last evaluated: 2024-12-15. Review status: criteria provided, single submitter. Criteria: Ambry Variant Classification Scheme 2023. Collection method: clinical testing. Allele origin: germline.
Comment: The p.V607F variant (also known as c.1819G>T), located in coding exon 15 of the EGFR gene, results from a G to T substitution at nucleotide position 1819. The valine at codon 607 is replaced by phenylalanine, an amino acid with highly similar properties. This amino acid position is conserved. In addition, the in silico prediction for this alteration is inconclusive. Based on the available evidence, the clinical significance of this variant remains unclear.